The following is an entry in ClinVar:

ClinVar aggregate classification (germline): Uncertain significance (1 of 4 stars; one submission).

Conditions:
GLUT1 deficiency syndrome 1, autosomal recessive. Identifiers: MedGen C3149117.

gnomAD v4.1: 2 of 1,602,510 alleles (0.00012%); highest among the groups gnomAD compares: Admixed American, 0.0017%; no homozygotes.

Submission:

Labcorp Genetics (formerly Invitae), Labcorp
Classification: Uncertain significance for GLUT1 deficiency syndrome 1, autosomal recessive. Last evaluated: 2025-08-18. Review status: criteria provided, single submitter. Criteria: Invitae Variant Classification Sherloc (09022015). Collection method: clinical testing. Allele origin: germline.
Comment: This sequence change replaces lysine, which is basic and polar, with arginine, which is basic and polar, at codon 117 of the SLC2A1 protein (p.Lys117Arg). This variant is present in population databases (rs748648403, gnomAD 0.003%). This variant has not been reported in the literature in individuals affected with SLC2A1-related conditions. Invitae Evidence Modeling of protein sequence and biophysical properties (such as structural, functional, and spatial information, amino acid conservation, physicochemical variation, residue mobility, and thermodynamic stability) indicates that this missense variant is not expected to disrupt SLC2A1 protein function with a negative predictive value of 95%. Experimental studies have shown that this missense change affects SLC2A1 function (PMID: 11425315). In summary, the available evidence is currently insufficient to determine the role of this variant in disease. Therefore, it has been classified as a Variant of Uncertain Significance.

Literature cited by the submitters: PubMed 11425315.

NM_006516.4(SLC2A1):c.350A>G (p.Lys117Arg)

Gene: SLC2A1 (solute carrier family 2 member 1; minus strand). Cytogenetic location: 1p34.2.
Variant type: single nucleotide variant.
Coding change: c.350A>G on transcript NM_006516.4 (MANE Select); coding-DNA position 350, A replaced by G.
Protein change: p.Lys117Arg; replaces lysine 117 with arginine.
Molecular consequence: missense variant.
Genome position (GRCh38, 1-based): chr1:42,930,792, T>C on the plus strand (A>G on the coding strand, the complement: SLC2A1 is on the minus strand). VCF-style: chr1-42930792-T-C. GRCh37 (hg19) VCF-style: chr1-43396463-T-C.
Other names: short protein forms K117R.
Identifiers: ClinVar variation 4804291 (VCV004804291.1).